The following is an entry in ClinVar:

ClinVar aggregate classification (germline): Uncertain significance. Review status: criteria provided, multiple submitters, no conflicts (2 of 4 stars). 7 submissions from 7 submitters: Uncertain significance (4). 3 of the submissions do not count toward it. Last evaluated 2025-07-26.

Conditions:
BBS12-related disorder. Also called: BBS12-related condition.
Bardet-Biedl syndrome (BBS). Identifiers: Orphanet 110, MedGen C0752166, MONDO:0015229.
Bardet-Biedl syndrome 12 (BBS12). Identifiers: Orphanet 110, MedGen C1859570, MONDO:0014440, OMIM 615989.

Submissions (7):

GeneDx
Classification: Uncertain significance. Last evaluated: 2025-07-26. Review status: criteria provided, single submitter. Criteria: GeneDx Variant Classification Process June 2021. Collection method: clinical testing. Allele origin: germline. Affected: yes.
Comment: Reported in the published literature in a proband with retinitis pigmentosa (PMID: 36011402); In silico analysis supports a deleterious effect on protein structure/function; In-frame deletion of 1 amino acid in a non-repeat region; This variant is associated with the following publications: (PMID: 36011402)

Labcorp Genetics (formerly Invitae), Labcorp
Classification: Uncertain significance for Bardet-Biedl syndrome. Last evaluated: 2025-01-15. Review status: criteria provided, single submitter. Criteria: Invitae Variant Classification Sherloc (09022015). Collection method: clinical testing. Allele origin: germline.
Comment: This variant, c.983_985del, results in the deletion of 1 amino acid(s) of the BBS12 protein (p.Ser328del), but otherwise preserves the integrity of the reading frame. This variant is present in population databases (rs779801356, gnomAD 0.1%). This variant has been observed in individual(s) with inherited retinal dystrophies (PMID: 36011402). ClinVar contains an entry for this variant (Variation ID: 970839). Experimental studies and prediction algorithms are not available or were not evaluated, and the functional significance of this variant is currently unknown. In summary, the available evidence is currently insufficient to determine the role of this variant in disease. Therefore, it has been classified as a Variant of Uncertain Significance.

Blueprint Genetics
Classification: Uncertain significance. Last evaluated: 2024-11-13. Review status: criteria provided, single submitter. Criteria: ACMG Guidelines, 2015. Collection method: clinical testing. Allele origin: germline.

Fulgent Genetics
Classification: Uncertain significance for Bardet-Biedl syndrome 12. Last evaluated: 2024-04-30. Review status: criteria provided, single submitter. Criteria: ACMG Guidelines, 2015. Collection method: clinical testing. Allele origin: germline.

PreventionGenetics, part of Exact Sciences
Classification: Likely benign for BBS12-related condition. Last evaluated: 2020-06-15. Review status: no assertion criteria provided. Collection method: clinical testing. Allele origin: germline. Not counted in ClinVar's aggregate classification.
Comment: This variant is classified as likely benign based on ACMG/AMP sequence variant interpretation guidelines (Richards et al. 2015 PMID: 25741868, with internal and published modifications).

Natera, Inc.
Classification: Uncertain significance for Bardet-Biedl syndrome type 12. Last evaluated: 2019-11-11. Review status: no assertion criteria provided. Collection method: clinical testing. Allele origin: germline. Not counted in ClinVar's aggregate classification.

Department of Pathology and Laboratory Medicine, Sinai Health System
Classification: Uncertain significance. Review status: no assertion criteria provided. Collection method: clinical testing. Allele origin: unknown. Affected: yes. Study: The Canadian Open Genetics Repository (COGR). Not counted in ClinVar's aggregate classification.
Comment: The BBS12 p.Ser328del variant was not identified in the literature nor was it identified in ClinVar or LOVD 3.0. The variant was identified in dbSNP (ID: rs779801356) and in control databases in 50 of 282726 chromosomes at a frequency of 0.0001768 (Genome Aggregation Database March 6, 2019, v2.1.1). The variant was observed in the following populations: Ashkenazi Jewish in 14 of 10368 chromosomes (freq: 0.00135), Other in 2 of 7224 chromosomes (freq: 0.000277), South Asian in 8 of 30600 chromosomes (freq: 0.000261), Latino in 7 of 35426 chromosomes (freq: 0.000198), European (non-Finnish) in 18 of 129084 chromosomes (freq: 0.000139) and European (Finnish) in 1 of 25116 chromosomes (freq: 0.00004), but was not observed in the African or East Asian populations. This variant is an in-frame deletion resulting in the removal of a serine (ser) residue at codon 328; the impact of this alteration on BBS12 protein function is not known. The variant occurs outside of the splicing consensus sequence and three of four in silico or computational prediction software programs (SpliceSiteFinder, MaxEntScan, NNSPLICE, GeneSplicer) do not predict a greater than 10% difference in splicing; this is not very predictive of pathogenicity. In summary, based on the above information the clinical significance of this variant cannot be determined with certainty at this time. This variant is classified as a variant of uncertain significance.

Literature cited by the submitters: PubMed 36011402 (cited by Labcorp Genetics (formerly Invitae), Labcorp).

NM_152618.3(BBS12):c.977CTT[2] (p.Ser328del)

Gene: BBS12 (Bardet-Biedl syndrome 12; plus strand). Cytogenetic location: 4q27.
Variant type: Microsatellite.
Coding change: c.977CTT[2] on transcript NM_152618.3 (MANE Select); two copies in a row of the 3-base unit CTT starting at c.977; the reference has three copies in a row; one copy, 3 bases deleted; also written c.983_985del.
Protein change: p.Ser328del; deletes serine 328.
Molecular consequence: inframe deletion.
Genome position (GRCh38, 1-based): chr4:122,742,875-122,742,877, CTT deleted; deleting any 3 consecutive bases within chr4:122,742,869-122,742,877 gives the same sequence; the position shown is the placement nearest the transcript's 3' end. VCF-style (leftmost placement, unchanged base first): chr4-122742868-ACTT-A. GRCh37 (hg19) VCF-style: chr4-123664023-ACTT-A.
Other names: c.977CTT[2], p.Ser328del (NM_001178007.2); c.983_985delCTT (NM_152618.2); c.983_985del (NM_152618.3); short protein forms S328del.
Identifiers: ClinVar variation 970839 (VCV000970839.12), dbSNP rs779801356, ClinGen allele CA3069355.